The following is an entry in ClinVar:

ClinVar aggregate classification (germline): Uncertain significance. Review status: criteria provided, multiple submitters, no conflicts (2 of 4 stars). 3 submissions from 3 submitters: Uncertain significance (3). Last evaluated 2025-04-05.

Conditions:
Inborn genetic diseases. Identifiers: MedGen C0950123, MeSH D030342.

Allele frequency attached by ClinVar (database versions not stated): gnomAD exomes 0.00001; gnomAD 0.00002; TOPMed 0.00006.
gnomAD v4.1: 13 of 1,613,780 alleles (0.00081%); highest among the groups gnomAD compares: Admixed American, 0.005%; no homozygotes.

Submissions (3):

Ambry Genetics
Classification: Uncertain significance for Inborn genetic diseases. Last evaluated: 2025-04-05. Review status: criteria provided, single submitter. Criteria: Ambry Variant Classification Scheme 2023. Collection method: clinical testing. Allele origin: germline.

Labcorp Genetics (formerly Invitae), Labcorp
Classification: Uncertain significance. Last evaluated: 2022-06-10. Review status: criteria provided, single submitter. Criteria: Invitae Variant Classification Sherloc (09022015). Collection method: clinical testing. Allele origin: germline.
Comment: This sequence change replaces proline, which is neutral and non-polar, with leucine, which is neutral and non-polar, at codon 388 of the FAT4 protein (p.Pro388Leu). This variant is present in population databases (no rsID available, gnomAD 0.1%). This variant has not been reported in the literature in individuals affected with FAT4-related conditions. ClinVar contains an entry for this variant (Variation ID: 373339). Advanced modeling of protein sequence and biophysical properties (such as structural, functional, and spatial information, amino acid conservation, physicochemical variation, residue mobility, and thermodynamic stability) performed at Invitae indicates that this missense variant is not expected to disrupt FAT4 protein function. In summary, the available evidence is currently insufficient to determine the role of this variant in disease. Therefore, it has been classified as a Variant of Uncertain Significance.

GeneDx
Classification: Uncertain significance. Last evaluated: 2016-11-29. Review status: criteria provided, single submitter. Criteria: GeneDx Variant Classification (06012015). Collection method: clinical testing. Allele origin: germline. Affected: yes.
Comment: The P388L variant in the FAT4 gene has not been reported previously as a pathogenic variant, nor as a benign variant, to our knowledge. This variant was not observed in approximately 6,200 individuals of European and African American ancestry in the NHLBI Exome Sequencing Project, indicating it is not a common benign variant in these populations. The P388L variant is a semi-conservative amino acid substitution, which may impact secondary protein structure as these residues differ in some properties. This substitution occurs at a position that is conserved in mammals. In silico analysis is inconsistent in its predictions as to whether or not the variant is damaging to the protein structure/function. Based on the currently available evidence, we interpret P388L as a variant of uncertain significance.

NM_001291303.3(FAT4):c.1163C>T (p.Pro388Leu)

Gene: FAT4 (FAT atypical cadherin 4; plus strand). Cytogenetic location: 4q28.1.
Variant type: single nucleotide variant.
Coding change: c.1163C>T on transcript NM_001291303.3 (MANE Select); coding-DNA position 1163, C replaced by T.
Protein change: p.Pro388Leu; replaces proline 388 with leucine.
Molecular consequence: missense variant.
Genome position (GRCh38, 1-based): chr4:125,317,574, C>T. VCF-style: chr4-125317574-C-T. GRCh37 (hg19) VCF-style: chr4-126238729-C-T.
Other names: c.1163C>T, p.Pro388Leu (NM_001291285.3, NM_024582.6); short protein forms P388L.
Identifiers: ClinVar variation 373339 (VCV000373339.5), dbSNP rs991371776, ClinGen allele CA16042548.